The following is an entry in ClinVar:

NC_000004.11:g.(?_55524172)_(55524258_?)dup

Gene: KIT (KIT proto-oncogene, receptor tyrosine kinase; plus strand). Cytogenetic location: 4q12.
Variant type: Duplication.
Identifiers: ClinVar variation 645366 (VCV000645366.2).

ClinVar aggregate classification (germline): Uncertain significance (1 of 4 stars; one submission).

Conditions:
Gastrointestinal stromal tumor. Also called: Gastrointestinal stromal tumor, somatic; Gastrointestinal stroma tumor. Identifiers: Orphanet 44890, MedGen C0238198, MeSH D046152, MONDO:0011719, OMIM 606764, HP:0100723.

Submission:

Labcorp Genetics (formerly Invitae), Labcorp
Classification: Uncertain significance for Gastrointestinal stroma tumor. Last evaluated: 2019-04-29. Review status: criteria provided, single submitter. Criteria: Invitae Variant Classification Sherloc (09022015). Collection method: clinical testing. Allele origin: germline.
Comment: This variant results in a copy number gain of the genomic region encompassing exon 1 of the KIT gene. The 5' end of this event is unknown as it extends beyond the assayed region for this gene and therefore may encompass additional genes. The 3' boundary is likely confined to intron 1 of the KIT gene. As the precise location of this event is unknown, it may be in tandem or it may be located elsewhere in the genome. This variant has not been reported in the literature in individuals with KIT-related disease. In summary, the available evidence is currently insufficient to determine the role of this variant in disease. Therefore, it has been classified as a Variant of Uncertain Significance.